The following is an entry in ClinVar:

ClinVar aggregate classification (germline): Uncertain significance (1 of 4 stars; one submission).

Conditions:
Primary ciliary dyskinesia. Also called: Ciliary dyskinesia. Identifiers: Orphanet 244, MedGen C0008780, MONDO:0016575, HP:0012265.

Submission:

Labcorp Genetics (formerly Invitae), Labcorp
Classification: Uncertain significance for Primary ciliary dyskinesia. Last evaluated: 2024-03-07. Review status: criteria provided, single submitter. Criteria: Invitae Variant Classification Sherloc (09022015). Collection method: clinical testing. Allele origin: germline.
Comment: This sequence change replaces glycine, which is neutral and non-polar, with aspartic acid, which is acidic and polar, at codon 4156 of the DNAH5 protein (p.Gly4156Asp). Information on the frequency of this variant in the gnomAD database is not available, as this variant may be reported differently in the database. This variant has not been reported in the literature in individuals affected with DNAH5-related conditions. An algorithm developed to predict the effect of missense changes on protein structure and function (PolyPhen-2) suggests that this variant is likely to be disruptive. In summary, the available evidence is currently insufficient to determine the role of this variant in disease. Therefore, it has been classified as a Variant of Uncertain Significance.

NM_001369.3(DNAH5):c.12467_12468delinsAC (p.Gly4156Asp)

Gene: DNAH5 (dynein axonemal heavy chain 5; minus strand). Cytogenetic location: 5p15.2.
Variant type: Indel.
Coding change: c.12467_12468delinsAC on transcript NM_001369.3 (MANE Select); coding-DNA positions 12467 to 12468, GA replaced by AC.
Protein change: p.Gly4156Asp; replaces glycine 4156 with aspartic acid.
Molecular consequence: missense variant.
Genome position (GRCh38, 1-based): chr5:13,718,913-13,718,914, TC replaced by GT on the plus strand (GA replaced by AC on the coding strand, the reverse complement: DNAH5 is on the minus strand). VCF-style: chr5-13718913-TC-GT. GRCh37 (hg19) VCF-style: chr5-13719022-TC-GT.
Other names: short protein forms G4156D.
Identifiers: ClinVar variation 3665039 (VCV003665039.2).